The following is an entry in ClinVar:

ClinVar aggregate classification (germline): Likely benign. Review status: criteria provided, multiple submitters, no conflicts (2 of 4 stars). 2 submissions from 2 submitters: Likely benign (2). Last evaluated 2018-06-19.

Allele frequency attached by ClinVar (database versions not stated): gnomAD exomes 0.00252; ExAC 0.00305; gnomAD 0.00853 and 0.00923; TOPMed 0.01030; 1000 Genomes Project 0.01038; 1000 Genomes Project 30x 0.01187.
gnomAD v4.1: 2,769 of 1,613,496 alleles (0.17%); highest among the groups gnomAD compares: African/African-American, 2.9%; 37 homozygotes.

Submissions (2):

GeneDx
Classification: Likely benign. Last evaluated: 2018-06-19. Review status: criteria provided, single submitter. Criteria: GeneDx Variant Classification (06012015). Collection method: clinical testing. Allele origin: germline. Affected: yes.
Comment: This variant is considered likely benign or benign based on one or more of the following criteria: it is a conservative change, it occurs at a poorly conserved position in the protein, it is predicted to be benign by multiple in silico algorithms, and/or has population frequency not consistent with disease.

Breakthrough Genomics
Classification: Likely benign. Review status: criteria provided, single submitter. Criteria: ACMG Guidelines, 2015. Collection method: not provided. Allele origin: germline. Inheritance: Autosomal recessive inheritance. Affected: yes.

NM_000070.3(CAPN3):c.309+32T>C

Gene: CAPN3 (calpain 3; plus strand). Cytogenetic location: 15q15.1.
Variant type: single nucleotide variant.
Coding change: c.309+32T>C on transcript NM_000070.3 (MANE Select); 32 bases into the intron after coding-DNA position 309, T replaced by C.
Molecular consequence: intron variant.
Genome position (GRCh38, 1-based): chr15:42,360,146, T>C. VCF-style: chr15-42360146-T-C. GRCh37 (hg19) VCF-style: chr15-42652344-T-C.
Other names: c.309+32T>C (NM_024344.2, NM_173087.2).
Identifiers: ClinVar variation 677711 (VCV000677711.2), dbSNP rs576780026, ClinGen allele CA7510903.